The following is an entry in ClinVar:

NM_005186.4(CAPN1):c.183C>T (p.Phe61=)

Gene: CAPN1 (calpain 1; plus strand). Cytogenetic location: 11q13.1.
Variant type: single nucleotide variant.
Coding change: c.183C>T on transcript NM_005186.4 (MANE Select); coding-DNA position 183, C replaced by T.
Protein change: p.Phe61=; no amino-acid change (phenylalanine 61 retained).
Molecular consequence: synonymous variant. On other transcripts: missense variant (1), non-coding transcript variant (1).
Genome position (GRCh38, 1-based): chr11:65,182,884, C>T. VCF-style: chr11-65182884-C-T. GRCh37 (hg19) VCF-style: chr11-64950355-C-T.
Other names: c.183C>T, p.Phe61= (NM_001198868.2, NM_001198869.2); c.92C>T, p.Ser31Phe (NM_001198870.1); short protein forms S31F.
Identifiers: ClinVar variation 2886161 (VCV002886161.5), dbSNP rs765399122, ClinGen allele CA6092967.

ClinVar aggregate classification (germline): Likely benign. Review status: criteria provided, multiple submitters, no conflicts (2 of 4 stars). 2 submissions from 2 submitters: Likely benign (2). Last evaluated 2026-06-01.

Allele frequency attached by ClinVar (database versions not stated): gnomAD 0.00001; ExAC 0.00003.
gnomAD v4.1: 16 of 1,603,740 alleles (0.001%); highest among the groups gnomAD compares: Middle Eastern, 0.016%; no homozygotes.

Submissions (2):

CeGaT Center for Human Genetics Tuebingen
Classification: Likely benign. Last evaluated: 2026-06-01. Review status: criteria provided, single submitter. Criteria: CeGaT Center For Human Genetics Tuebingen Variant Classification Criteria Version 2. Collection method: clinical testing. Allele origin: germline. Affected: yes. Observed: 1 variant allele.
Comment: CAPN1: BP4, BP7

Labcorp Genetics (formerly Invitae), Labcorp
Classification: Likely benign. Last evaluated: 2023-08-27. Review status: criteria provided, single submitter. Criteria: Invitae Variant Classification Sherloc (09022015). Collection method: clinical testing. Allele origin: germline.